The following is an entry in ClinVar:

NM_000353.3(TAT):c.974del (p.Gly325fs)

Genes: TAT (tyrosine aminotransferase; minus strand), TAT-AS1 (TAT antisense RNA 1; plus strand). Cytogenetic location: 16q22.2.
Variant type: Deletion.
Coding change: c.974del on transcript NM_000353.3 (MANE Select); coding-DNA position 974, one base deleted (G; older notation c.974delG).
Protein change: p.Gly325fs; shifts the reading frame from glycine 325.
Molecular consequence: frameshift variant.
Genome position (GRCh38, 1-based): chr16:71,570,336, C deleted on the plus strand (G on the coding strand, the reverse complement: TAT is on the minus strand); the first of 3 consecutive C bases (chr16:71,570,336-71,570,338); deleting any one gives the same sequence. VCF-style (leftmost placement, unchanged base first): chr16-71570335-TC-T. GRCh37 (hg19) VCF-style: chr16-71604238-TC-T.
Other names: short protein forms G325fs.
Identifiers: ClinVar variation 5015488 (VCV005015488.1).

ClinVar aggregate classification (germline): Pathogenic (1 of 4 stars; one submission).

Conditions:
Tyrosinemia type II (TYRSN2). Also called: KERATOSIS PALMOPLANTARIS WITH CORNEAL DYSTROPHY; OREGON TYPE TYROSINEMIA; TAT DEFICIENCY; TYROSINE AMINOTRANSFERASE DEFICIENCY; TYROSINE TRANSAMINASE DEFICIENCY. Identifiers: Orphanet 28378, MedGen C0268487, MONDO:0010160, OMIM 276600.

Submission:

Myriad Genetics, Inc.
Classification: Pathogenic for Tyrosinemia type II. Last evaluated: 2026-01-26. Review status: criteria provided, single submitter. Criteria: Myriad Autosomal Dominant, Autosomal Recessive and X-Linked Classification Criteria (2023). Collection method: clinical testing. Allele origin: unknown.
Comment: NM_000353.2(TAT):c.974delG(G325Efs*3) is expected to be pathogenic in the context of tyrosinemia type II. This variant is predicted to lead to an abnormal or absent protein product due to the creation of a premature termination codon in TAT, a gene where loss-of-function variants are known to be pathogenic. Please note: this variant was assessed in the context of healthy population screening.